The following is an entry in ClinVar:

NM_000257.4(MYH7):c.4053G>A (p.Thr1351=)

Gene: MYH7 (myosin heavy chain 7; minus strand). Cytogenetic location: 14q11.2.
Variant type: single nucleotide variant.
Coding change: c.4053G>A on transcript NM_000257.4 (MANE Select); coding-DNA position 4053, G replaced by A.
Protein change: p.Thr1351=; no amino-acid change (threonine 1351 retained).
Molecular consequence: synonymous variant.
Genome position (GRCh38, 1-based): chr14:23,418,326, C>T on the plus strand (G>A on the coding strand, the complement: MYH7 is on the minus strand). VCF-style: chr14-23418326-C-T. GRCh37 (hg19) VCF-style: chr14-23887535-C-T.
Identifiers: ClinVar variation 42989 (VCV000042989.20), dbSNP rs397516200, ClinGen allele CA014397.

ClinVar aggregate classification (germline): Benign/Likely benign. Review status: criteria provided, multiple submitters, no conflicts (2 of 4 stars). 7 submissions from 7 submitters: Benign (1); Likely benign (6). Last evaluated 2025-10-23.

Conditions:
Cardiovascular phenotype. Identifiers: MedGen CN230736.
Cardiomyopathy (CMYO). Also called: Cardiomyopathies. Identifiers: Orphanet 167848, MedGen C0878544, MONDO:0004994, HP:0001638. Inheritance: Various modes of inheritance.
Hypertrophic cardiomyopathy. Also called: HYPERTROPHIC MYOCARDIOPATHY. Identifiers: Orphanet 217569, MedGen C0007194, MeSH D002312, MONDO:0005045, HP:0001639.

Allele frequency attached by ClinVar (database versions not stated): gnomAD 0.00004 and 0.00006; TOPMed 0.00005; ExAC 0.00015; gnomAD exomes 0.00016.
gnomAD v4.1: 167 of 1,613,754 alleles (0.01%); highest among the groups gnomAD compares: South Asian, 0.11%; 4 homozygotes.

Submissions (7):

Labcorp Genetics (formerly Invitae), Labcorp
Classification: Likely benign for Hypertrophic cardiomyopathy. Last evaluated: 2025-10-23. Review status: criteria provided, single submitter. Criteria: Invitae Variant Classification Sherloc (09022015). Collection method: clinical testing. Allele origin: germline.

Blueprint Genetics
Classification: Likely benign. Last evaluated: 2024-11-26. Review status: criteria provided, single submitter. Criteria: ACMG Guidelines, 2015. Collection method: clinical testing. Allele origin: germline.

All of Us Research Program, National Institutes of Health
Classification: Likely benign for Cardiomyopathy. Last evaluated: 2023-12-18. Review status: criteria provided, single submitter. Criteria: ACMG Guidelines, 2015. Collection method: clinical testing. Allele origin: germline. Inheritance: Autosomal dominant inheritance. Observed: 20 variant alleles, 20 heterozygotes.
Comment: This study involves interpretation of variants in research participants for the purpose of population health screening. Participant phenotype was not available at the time of variant classification. Additional details can be found in publication PMID: 35346344, PMCID: PMC8962531

Ambry Genetics
Classification: Likely benign for Cardiovascular phenotype. Last evaluated: 2020-02-20. Review status: criteria provided, single submitter. Criteria: Ambry Variant Classification Scheme 2023. Collection method: clinical testing. Allele origin: germline.

GeneDx
Classification: Benign. Last evaluated: 2019-01-04. Review status: criteria provided, single submitter. Criteria: GeneDx Variant Classification Process June 2021. Collection method: clinical testing. Allele origin: germline. Affected: yes.

Color Diagnostics, LLC DBA Color Health
Classification: Likely benign for Cardiomyopathy. Last evaluated: 2018-11-27. Review status: criteria provided, single submitter. Criteria: ACMG Guidelines, 2015. Collection method: clinical testing. Allele origin: germline.

Laboratory for Molecular Medicine, Mass General Brigham Personalized Medicine
Classification: Likely benign. Last evaluated: 2011-08-22. Review status: criteria provided, single submitter. Criteria: LMM Criteria. Collection method: clinical testing. Allele origin: germline. Observed: 1 variant allele.